The following is an entry in ClinVar:

NM_152641.4(ARID2):c.1736C>T (p.Thr579Ile)

Gene: ARID2 (AT-rich interaction domain 2; plus strand). Cytogenetic location: 12q12.
Variant type: single nucleotide variant.
Coding change: c.1736C>T on transcript NM_152641.4 (MANE Select); coding-DNA position 1736, C replaced by T.
Protein change: p.Thr579Ile; replaces threonine 579 with isoleucine.
Molecular consequence: missense variant.
Genome position (GRCh38, 1-based): chr12:45,849,600, C>T. VCF-style: chr12-45849600-C-T. GRCh37 (hg19) VCF-style: chr12-46243383-C-T.
Other names: c.1736C>T, p.Thr579Ile (NM_001347839.2); short protein forms T579I.
Identifiers: ClinVar variation 5041229 (VCV005041229.1).

ClinVar aggregate classification (germline): Likely benign (1 of 4 stars; one submission).

gnomAD v4.1: 19 of 1,611,806 alleles (0.0012%); highest among the groups gnomAD compares: Non-Finnish European, 0.0014%; no homozygotes.

Submission:

CeGaT Center for Human Genetics Tuebingen
Classification: Likely benign. Last evaluated: 2026-09-01. Review status: criteria provided, single submitter. Criteria: CeGaT Center For Human Genetics Tuebingen Variant Classification Criteria Version 2. Collection method: clinical testing. Allele origin: germline. Affected: yes. Observed: 1 variant allele.
Comment: ARID2: BS2